The following is an entry in ClinVar:

ClinVar aggregate classification (germline): Likely benign (0 of 4 stars; one submission).

Conditions:
SLC51A-related disorder. Also called: SLC51A-related condition.

Allele frequency attached by ClinVar (database versions not stated): gnomAD exomes below 0.00001; ExAC 0.00003; gnomAD 0.00009; TOPMed 0.00011; ESP Exome Variant Server 0.00015.
gnomAD v4.1: 17 of 1,590,090 alleles (0.0011%); highest among the groups gnomAD compares: African/African-American, 0.022%; no homozygotes.

Submission:

PreventionGenetics, part of Exact Sciences
Classification: Likely benign for SLC51A-related condition. Last evaluated: 2021-03-04. Review status: no assertion criteria provided. Collection method: clinical testing. Allele origin: germline.
Comment: This variant is classified as likely benign based on ACMG/AMP sequence variant interpretation guidelines (Richards et al. 2015 PMID: 25741868, with internal and published modifications).

NM_152672.6(SLC51A):c.634-8G>T

Gene: SLC51A (solute carrier family 51 member A; plus strand). Cytogenetic location: 3q29.
Variant type: single nucleotide variant.
Coding change: c.634-8G>T on transcript NM_152672.6 (MANE Select); 8 bases into the intron before coding-DNA position 634, G replaced by T.
Molecular consequence: intron variant.
Genome position (GRCh38, 1-based): chr3:196,229,907, G>T. VCF-style: chr3-196229907-G-T. GRCh37 (hg19) VCF-style: chr3-195956778-G-T.
Identifiers: ClinVar variation 3030103 (VCV003030103.2), dbSNP rs376473125, ClinGen allele CA2779179.
Genomic context (GRCh38, chr3:196,229,907, plus strand): 5'-TCTCTTGAAAGAGAGAGAGAGAGAGAGAGAGCTTGCCTGCCTCACTGACTACTTTCTGTT[G>T]CCACCAGATTTCTGAGGGGAGCACAGCTCTATGGATCAACACTTTCCTTGGCGTGTCCAC-3'